The following is an entry in ClinVar:

NM_080732.4(EGLN2):c.613C>T (p.Arg205Cys)

Genes: EGLN2 (egl-9 family hypoxia inducible factor 2; plus strand), RAB4B-EGLN2 (RAB4B-EGLN2 readthrough (NMD candidate); plus strand). Cytogenetic location: 19q13.2.
Variant type: single nucleotide variant.
Coding change: c.613C>T on transcript NM_080732.4 (MANE Select); coding-DNA position 613, C replaced by T.
Protein change: p.Arg205Cys; replaces arginine 205 with cysteine.
Molecular consequence: missense variant. On other transcripts: non-coding transcript variant (1).
Genome position (GRCh38, 1-based): chr19:40,801,185, C>T. VCF-style: chr19-40801185-C-T. GRCh37 (hg19) VCF-style: chr19-41307090-C-T.
Other names: c.613C>T, p.Arg205Cys (NM_053046.4); short protein forms R205C.
Identifiers: ClinVar variation 1751822 (VCV001751822.2), dbSNP rs776147138, ClinGen allele CA405955625.

ClinVar aggregate classification (germline): Uncertain significance (1 of 4 stars; one submission).

Allele frequency attached by ClinVar (database versions not stated): TOPMed 0.00001.
gnomAD v4.1: 15 of 1,612,624 alleles (0.00093%); highest among the groups gnomAD compares: African/African-American, 0.0053%; no homozygotes.

Submission:

Ambry Genetics
Classification: Uncertain significance. Last evaluated: 2024-01-11. Review status: criteria provided, single submitter. Criteria: Ambry Variant Classification Scheme 2023. Collection method: clinical testing. Allele origin: germline.
Comment: The p.R205C variant (also known as c.613C>T), located in coding exon 1 of the EGLN2 gene, results from a C to T substitution at nucleotide position 613. The arginine at codon 205 is replaced by cysteine, an amino acid with highly dissimilar properties. This amino acid position is conserved. In addition, this alteration is predicted to be tolerated by in silico analysis. Since supporting evidence is limited at this time, the clinical significance of this alteration remains unclear.